The following is an entry in ClinVar:

NM_000203.5(IDUA):c.692C>T (p.Ser231Phe)

Gene: IDUA (alpha-L-iduronidase; plus strand). Cytogenetic location: 4p16.3.
Variant type: single nucleotide variant.
Coding change: c.692C>T on transcript NM_000203.5 (MANE Select); coding-DNA position 692, C replaced by T.
Protein change: p.Ser231Phe; replaces serine 231 with phenylalanine.
Molecular consequence: missense variant. On other transcripts: non-coding transcript variant (1).
Genome position (GRCh38, 1-based): chr4:1,001,781, C>T. VCF-style: chr4-1001781-C-T. GRCh37 (hg19) VCF-style: chr4-995569-C-T.
Other names: c.296C>T, p.Ser99Phe (NM_001363576.1); short protein forms S231F, S99F.
Identifiers: ClinVar variation 1427608 (VCV001427608.5), dbSNP rs933301757, ClinGen allele CA355962078.

ClinVar aggregate classification (germline): Uncertain significance (1 of 4 stars; one submission).

Conditions:
Mucopolysaccharidosis type 1. Also called: IDUA deficiency; MPS I. Identifiers: Orphanet 579, MedGen C0023786, MONDO:0001586.

Allele frequency attached by ClinVar (database versions not stated): gnomAD 0.00001; gnomAD exomes 0.00001.
gnomAD v4.1: 11 of 1,602,918 alleles (0.00069%); highest among the groups gnomAD compares: Non-Finnish European, 0.00093%; no homozygotes.

Submission:

Labcorp Genetics (formerly Invitae), Labcorp
Classification: Uncertain significance for Mucopolysaccharidosis type 1. Last evaluated: 2022-09-13. Review status: criteria provided, single submitter. Criteria: Invitae Variant Classification Sherloc (09022015). Collection method: clinical testing. Allele origin: germline.
Comment: This sequence change replaces serine, which is neutral and polar, with phenylalanine, which is neutral and non-polar, at codon 231 of the IDUA protein (p.Ser231Phe). This variant is not present in population databases (gnomAD no frequency). This variant has not been reported in the literature in individuals affected with IDUA-related conditions. ClinVar contains an entry for this variant (Variation ID: 1427608). Advanced modeling of protein sequence and biophysical properties (such as structural, functional, and spatial information, amino acid conservation, physicochemical variation, residue mobility, and thermodynamic stability) has been performed at Invitae for this missense variant, however the output from this modeling did not meet the statistical confidence thresholds required to predict the impact of this variant on IDUA protein function. In summary, the available evidence is currently insufficient to determine the role of this variant in disease. Therefore, it has been classified as a Variant of Uncertain Significance.